The following is an entry in ClinVar:

NM_017780.4(CHD7):c.1979del (p.Lys660fs)

Genes: CHD7 (chromodomain helicase DNA binding protein 7; plus strand), LOC126860403 (CDK7 strongly-dependent group 2 enhancer GRCh37_chr8:61693034-61694233; plus strand). Cytogenetic location: 8q12.2.
Variant type: Deletion.
Coding change: c.1979del on transcript NM_017780.4 (MANE Select); coding-DNA position 1979, one base deleted (A; older notation c.1979delA).
Protein change: p.Lys660fs; shifts the reading frame from lysine 660.
Molecular consequence: frameshift variant. On other transcripts: intron variant (1).
Genome position (GRCh38, 1-based): chr8:60,781,313, A deleted; the last of 2 consecutive A bases (chr8:60,781,312-60,781,313); deleting either gives the same sequence. VCF-style (leftmost placement, unchanged base first): chr8-60781311-CA-C. GRCh37 (hg19) VCF-style: chr8-61693870-CA-C.
Other names: c.1716+263del (NM_001316690.1); short protein forms K660fs.
Identifiers: ClinVar variation 4532101 (VCV004532101.1).

ClinVar aggregate classification (germline): Pathogenic (1 of 4 stars; one submission).

Conditions:
CHD7-related CHARGE syndrome. Identifiers: MedGen CN380413, MONDO:1010178, OMIM 214800.

Submission:

Victorian Clinical Genetics Services, Murdoch Childrens Research Institute
Classification: Pathogenic for CHD7-related CHARGE syndrome. Last evaluated: 2024-10-09. Review status: criteria provided, single submitter. Criteria: ACMG Guidelines, 2015. Collection method: clinical testing. Allele origin: germline. Affected: yes.
Comment: This variant is classified as Pathogenic. Evidence in support of pathogenic classification: Variant is predicted to cause nonsense-mediated decay (NMD) and loss of protein (premature termination codon is located at least 54 nucleotides upstream of the final exon-exon junction); Variant is absent from gnomAD (v2, v3 and v4); This variant has limited previous evidence of pathogenicity in unrelated individual(s). An alternative nucleotide change resulting in the same predicted protein outcome, c.1977del, has been classified as pathogenic by a clinical laboratory in ClinVar, and has been reported in the literature in an individual with CHARGE syndrome (PMID: 32384900); Other NMD-predicted variant(s) comparable to the one identified in this case have very strong previous evidence for pathogenicity (DECIPHER); Additional information: This variant is heterozygous; This gene is associated with autosomal dominant disease; No published segregation evidence has been identified for this variant; No published functional evidence has been identified for this variant; Loss of function is a known mechanism of disease in this gene and is associated with CHARGE syndrome (MIM#214800) and hypogonadotropic hypogonadism 5 with or without anosmia (MIM#612370); Variants in this gene are known to have variable expressivity (PMID: 20301296).

Literature cited by the submitters: PubMed 20301296; PubMed 32384900.